The following is an entry in ClinVar:

NM_000465.4(BARD1):c.1314+1G>A

Gene: BARD1 (BRCA1 associated RING domain 1; minus strand). Cytogenetic location: 2q35.
Variant type: single nucleotide variant.
Coding change: c.1314+1G>A on transcript NM_000465.4 (MANE Select); the canonical splice donor site of the intron after coding-DNA position 1314, G replaced by A.
Molecular consequence: splice donor variant. On other transcripts: intron variant (3).
Genome position (GRCh38, 1-based): chr2:214,780,559, C>T on the plus strand (G>A on the coding strand, the complement: BARD1 is on the minus strand). VCF-style: chr2-214780559-C-T. GRCh37 (hg19) VCF-style: chr2-215645283-C-T.
Other names: c.159-28004G>A (NM_001282548.2); c.1257+1G>A (NM_001282543.2); c.215+16502G>A (NM_001282545.2); c.364+11738G>A (NM_001282549.2).
Identifiers: ClinVar variation 479152 (VCV000479152.24), dbSNP rs753785671, ClinGen allele CA2090307.

ClinVar aggregate classification (germline): Pathogenic/Likely pathogenic. Review status: criteria provided, multiple submitters, no conflicts (2 of 4 stars). 9 submissions from 9 submitters: Pathogenic (2); Likely pathogenic (7). Last evaluated 2025-04-09.

Conditions:
Hereditary cancer-predisposing syndrome. Also called: Neoplastic Syndromes, Hereditary; Hereditary Cancer Syndrome; Hereditary neoplastic syndrome; Tumor predisposition. Identifiers: Orphanet 140162, MedGen C0027672, MeSH D009386, MONDO:0015356.
Hereditary breast ovarian cancer syndrome. Also called: Hereditary breast and ovarian cancer syndrome (HBOC); Hereditary breast and ovarian cancer syndrome; Breast and ovarian cancer; BRCA1- and BRCA2-Associated Hereditary Breast and Ovarian Cancer; Hereditary breast and ovarian cancer; Hereditary breast and/or ovarian cancer syndrome. Identifiers: Orphanet 145, MedGen C0677776, MeSH D061325, MONDO:0003582. Disease mechanism: loss of function.
Familial cancer of breast. Also called: BREAST CANCER, FAMILIAL; hereditary breast carcinoma; Hereditary breast cancer. Identifiers: Orphanet 227535, MedGen C0346153, MONDO:0016419, OMIM 114480. Disease mechanism: loss of function.
BARD1-related cancer predisposition. Identifiers: MedGen CN377756, MONDO:0700267.

Allele frequency attached by ClinVar (database versions not stated): gnomAD exomes below 0.00001; ExAC 0.00001.
gnomAD v4.1: 3 of 1,612,916 alleles (0.00019%); highest among the groups gnomAD compares: Non-Finnish European, 0.00017%; no homozygotes.

Submissions (9):

Molecular Diagnostics Laboratory, Catalan Institute of Oncology
Classification: Likely pathogenic for Hereditary cancer-predisposing syndrome. Last evaluated: 2025-04-09. Review status: criteria provided, single submitter. Criteria: ACMG Guidelines, 2015. Collection method: clinical testing. Allele origin: germline.
Comment: PVS1_RNA, PM2_Supporting c.1314+1G>A, located in a canonic splicing site of the BARD1 is predicted to alter splicing. RNA studies have shown that this variant causes skipping of exons 3 and 4 (r.216_1314del; p.Ser72Argfs*37) and it results in loss of function by premature protein truncation and nonsense-mediated mRNA decay (PVS1_RNA) (PMID: 33498765). This variant is found in 1/267513 alleles at a frequency of 0.0004% in the gnomAD v2.1.1 database, non-cancer dataset (PM2_supporting). It has been reported in ClinVar (1x P, 5x LP). This variant has been reported in the ClinVar database (5x likely pathogenic, 1x pathogenic). Based on the currently available information, c.1314+1G>A is classified as a likely pathogenic variant according to ACMG guidelines.

Labcorp Genetics (formerly Invitae), Labcorp
Classification: Likely pathogenic for Familial cancer of breast. Last evaluated: 2024-11-18. Review status: criteria provided, single submitter. Criteria: Invitae Variant Classification Sherloc (09022015). Collection method: clinical testing. Allele origin: germline.
Comment: This sequence change affects a donor splice site in intron 4 of the BARD1 gene. It is expected to disrupt RNA splicing. Variants that disrupt the donor or acceptor splice site typically lead to a loss of protein function (PMID: 16199547), and loss-of-function variants in BARD1 are known to be pathogenic (PMID: 20077502, 21344236). This variant is present in population databases (rs753785671, gnomAD 0.0009%). Disruption of this splice site has been observed in individual(s) with neuroblastoma or personal and/or family history of breast and/or ovarian cancer (PMID: 27009842, 29752822, 33498765). ClinVar contains an entry for this variant (Variation ID: 479152). Studies have shown that disruption of this splice site is associated with altered splicing resulting in multiple RNA products (internal data). In summary, the currently available evidence indicates that the variant is pathogenic, but additional data are needed to prove that conclusively. Therefore, this variant has been classified as Likely Pathogenic.

Women's Health and Genetics/Laboratory Corporation of America, LabCorp
Classification: Likely pathogenic for Hereditary breast ovarian cancer syndrome. Last evaluated: 2024-11-14. Review status: criteria provided, single submitter. Criteria: LabCorp Variant Classification Summary - May 2015. Collection method: clinical testing. Allele origin: germline.
Comment: Variant summary: BARD1 c.1314+1G>A is located in a canonical splice-site and is predicted to affect mRNA splicing resulting in a significantly altered protein due to either exon skipping, shortening, or inclusion of intronic material. Variants that disrupt the consensus splice site are a relatively common cause of aberrant splicing and loss of BARD1 function. Several computational tools predict a significant impact on normal splicing: Four predict the variant abolishes a 5' splicing donor site. Two predict the variant weakens a cryptic 3' acceptor site. One predict the variant creates a 3' acceptor site. The variant allele was found at a frequency of 4e-06 in 250606 control chromosomes. c.1314+1G>A has been reported in the literature in individuals with a personal or family history of Hereditary Breast And Ovarian Cancer Syndrome (Feliubadalo_2019, Li_2019, Rofes_2021). These report(s) do not provide unequivocal conclusions about association of the variant with Hereditary Breast And Ovarian Cancer Syndrome. The following publications have been ascertained in the context of this evaluation (PMID: 30927264, 29752822, 33498765). ClinVar contains an entry for this variant (Variation ID: 479152). Based on the evidence outlined above, the variant was classified as likely pathogenic.

Ambry Genetics
Classification: Likely pathogenic for Hereditary cancer-predisposing syndrome. Last evaluated: 2024-09-12. Review status: criteria provided, single submitter. Criteria: Ambry Variant Classification Scheme 2023. Collection method: clinical testing. Allele origin: germline.
Comment: The c.1314+1G>A intronic variant results from a G to A substitution one nucleotide after coding exon 4 of the BARD1 gene. This variant was identified in 1/937 Chinese breast cancer patients undergoing multigene panel testing (Li JY et al. Int J Cancer, 2019 01;144:281-289). This variant is considered to be rare based on population cohorts in the Genome Aggregation Database (gnomAD). This nucleotide position is highly conserved in available vertebrate species. In silico splice site analysis predicts that this alteration will weaken the native splice donor site; however, direct evidence is insufficient at this time (Ambry internal data). Alterations that disrupt the canonical splice site are expected to cause aberrant splicing, resulting in an abnormal protein or a transcript that is subject to nonsense-mediated mRNA decay. As such, this alteration is classified as likely pathogenic.

Molecular Pathology, Peter Maccallum Cancer Centre
Classification: Likely pathogenic for BARD1-related cancer predisposition. Last evaluated: 2024-06-18. Review status: criteria provided, single submitter. Criteria: ACMG Guidelines, 2015. Collection method: clinical testing. Allele origin: germline. Inheritance: Autosomal dominant inheritance.

Quest Diagnostics Nichols Institute San Juan Capistrano
Classification: Pathogenic. Last evaluated: 2024-05-17. Review status: criteria provided, single submitter. Criteria: Quest Diagnostics criteria. Collection method: clinical testing. Allele origin: unknown.
Comment: The BARD1 c.1314+1G>A variant disrupts a canonical splice-donor site, and has been described to cause out-of-frame exon skipping based on RNA analysis (PMID: 33498765 (2021)). This variant has been reported in individuals with breast cancer (PMID: 29752822 (2018)), ovarian cancer (PMID: 33498765 (2021)), and neuroblastoma (PMID: 27009842 (2016)). The frequency of this variant in the general population, 0.000004 (1/250606 chromosomes (Genome Aggregation Database)), is consistent with pathogenicity. Based on the available information, this variant is classified as pathogenic.

Baylor Genetics
Classification: Pathogenic for Familial cancer of breast. Last evaluated: 2023-12-12. Review status: criteria provided, single submitter. Criteria: ACMG Guidelines, 2015. Collection method: clinical testing. Allele origin: unknown.

Revvity Omics, Revvity
Classification: Likely pathogenic. Last evaluated: 2023-06-09. Review status: criteria provided, single submitter. Criteria: ACMG Guidelines, 2015. Collection method: clinical testing. Allele origin: germline.

Myriad Genetics, Inc.
Classification: Likely pathogenic for Familial cancer of breast. Last evaluated: 2023-05-22. Review status: criteria provided, single submitter. Criteria: Myriad Autosomal Dominant, Autosomal Recessive and X-Linked Classification Criteria (2023). Collection method: clinical testing. Allele origin: unknown.
Comment: This variant is considered likely pathogenic. This variant occurs within a consensus splice junction and is predicted to result in abnormal mRNA splicing of either an out-of-frame exon or an in-frame exon necessary for protein stability and/or normal function.

Literature cited by the submitters: PubMed 16199547 (cited by Labcorp Genetics (formerly Invitae), Labcorp); PubMed 20077502 (cited by Labcorp Genetics (formerly Invitae), Labcorp); PubMed 21344236 (cited by Labcorp Genetics (formerly Invitae), Labcorp); PubMed 27009842 (cited by Labcorp Genetics (formerly Invitae), Labcorp and Quest Diagnostics Nichols Institute San Juan Capistrano); PubMed 29752822 (cited by 4 submitters); PubMed 33498765 (cited by 4 submitters); PubMed 30927264 (cited by Women's Health and Genetics/Laboratory Corporation of America, LabCorp); PubMed 29922827 (cited by Quest Diagnostics Nichols Institute San Juan Capistrano).